The following is an entry in ClinVar:

NM_004415.4(DSP):c.3880G>A (p.Glu1294Lys)

Gene: DSP (desmoplakin; plus strand). Cytogenetic location: 6p24.3.
Variant type: single nucleotide variant.
Coding change: c.3880G>A on transcript NM_004415.4 (MANE Select); coding-DNA position 3880, G replaced by A.
Protein change: p.Glu1294Lys; replaces glutamic acid 1294 with lysine.
Molecular consequence: missense variant. On other transcripts: intron variant (1).
Genome position (GRCh38, 1-based): chr6:7,580,070, G>A. VCF-style: chr6-7580070-G-A. GRCh37 (hg19) VCF-style: chr6-7580303-G-A.
Other names: c.3880G>A, p.Glu1294Lys (NM_001319034.2); c.3582+298G>A (NM_001008844.3); short protein forms E1294K.
Identifiers: ClinVar variation 2101071 (VCV002101071.6), dbSNP rs2533926446, ClinGen allele CA362685054.
Genomic context (GRCh38, chr6:7,580,070, plus strand): 5'-GCCCTTCAGCAAAAGGCCTGTGGCTCTGAGATAATGCAGAAGAAGCAGCATCTGGAGATA[G>A]AACTGAAGCAGGTCATGCAGCAGCGCTCTGAGGACAATGCCCGGCACAAGCAGTCCCTGG-3'
Protein context (NP_004406.2, residues 1284-1304): IMQKKQHLEI[Glu1294Lys]LKQVMQQRSE

ClinVar aggregate classification (germline): Uncertain significance. Review status: criteria provided, multiple submitters, no conflicts (2 of 4 stars). 2 submissions from 2 submitters: Uncertain significance (2). Last evaluated 2024-03-06.

Conditions:
Cardiomyopathy (CMYO). Also called: Cardiomyopathies. Identifiers: Orphanet 167848, MedGen C0878544, MONDO:0004994, HP:0001638. Inheritance: Various modes of inheritance.
Arrhythmogenic right ventricular dysplasia 8 (ARVD8). Also called: Arrhythmogenic Right Ventricular Dysplasia/Cardiomyopathy 8; ARRHYTHMOGENIC RIGHT VENTRICULAR DYSPLASIA, FAMILIAL, 8; ARRHYTHMOGENIC RIGHT VENTRICULAR CARDIOMYOPATHY 8. Identifiers: MedGen C1843896, MONDO:0011831, OMIM 607450.
Arrhythmogenic cardiomyopathy with wooly hair and keratoderma. Also called: Dilated cardiomyopathy with woolly hair and keratoderma; Arrhythmogenic cardiomyopathy with woolly hair and keratoderma; PALMOPLANTAR KERATODERMA WITH LEFT VENTRICULAR CARDIOMYOPATHY AND WOOLLY HAIR; Carvajal syndrome. Identifiers: Orphanet 65282, MedGen C1854063, MONDO:0011581, OMIM 605676.

Submissions (2):

Color Diagnostics, LLC DBA Color Health
Classification: Uncertain significance for Cardiomyopathy. Last evaluated: 2024-03-06. Review status: criteria provided, single submitter. Criteria: ACMG Guidelines, 2015. Collection method: clinical testing. Allele origin: germline.
Comment: This missense variant replaces glutamic acid with lysine at codon 1294 of the DSP protein. Computational prediction suggests that this variant may not impact protein structure and function (internally defined REVEL score threshold <= 0.5, PMID: 27666373). To our knowledge, functional studies have not been reported for this variant. This variant has not been reported in individuals affected with cardiovascular disorders in the literature. This variant has not been identified in the general population by the Genome Aggregation Database (gnomAD). The available evidence is insufficient to determine the role of this variant in disease conclusively. Therefore, this variant is classified as a Variant of Uncertain Significance.

Labcorp Genetics (formerly Invitae), Labcorp
Classification: Uncertain significance for Arrhythmogenic cardiomyopathy with wooly hair and keratoderma; Arrhythmogenic right ventricular dysplasia 8. Last evaluated: 2022-07-29. Review status: criteria provided, single submitter. Criteria: Invitae Variant Classification Sherloc (09022015). Collection method: clinical testing. Allele origin: germline.
Comment: This variant has not been reported in the literature in individuals affected with DSP-related conditions. In summary, the available evidence is currently insufficient to determine the role of this variant in disease. Therefore, it has been classified as a Variant of Uncertain Significance. Algorithms developed to predict the effect of missense changes on protein structure and function are either unavailable or do not agree on the potential impact of this missense change (SIFT: "Deleterious"; PolyPhen-2: "Probably Damaging"; Align-GVGD: "Class C15"). This variant is not present in population databases (gnomAD no frequency). This sequence change replaces glutamic acid, which is acidic and polar, with lysine, which is basic and polar, at codon 1294 of the DSP protein (p.Glu1294Lys).